The following is an entry in ClinVar:

NM_207122.2(EXT2):c.1765G>A (p.Glu589Lys)

Gene: EXT2 (exostosin glycosyltransferase 2; plus strand). Cytogenetic location: 11p11.2.
Variant type: single nucleotide variant.
Coding change: c.1765G>A on transcript NM_207122.2 (MANE Select); coding-DNA position 1765, G replaced by A.
Protein change: p.Glu589Lys; replaces glutamic acid 589 with lysine.
Molecular consequence: missense variant.
Genome position (GRCh38, 1-based): chr11:44,232,455, G>A. VCF-style: chr11-44232455-G-A. GRCh37 (hg19) VCF-style: chr11-44254005-G-A.
Other names: c.1864G>A, p.Glu622Lys (NM_000401.3); c.1795G>A, p.Glu599Lys (NM_001178083.3); c.1765G>A, p.Glu589Lys (NM_001389628.1, NM_001389630.1); short protein forms E622K, E589K, E599K.
Identifiers: ClinVar variation 1981677 (VCV001981677.5), dbSNP rs2539780043, ClinGen allele CA380183040.

ClinVar aggregate classification (germline): Uncertain significance. Review status: criteria provided, multiple submitters, no conflicts (2 of 4 stars). 2 submissions from 2 submitters: Uncertain significance (2). Last evaluated 2025-08-21.

Conditions:
Inborn genetic diseases. Identifiers: MedGen C0950123, MeSH D030342.
Exostoses, multiple, type 2 (EXT2). Also called: Hereditary Multiple Osteochondromatosis, Type II; EXOSTOSES, MULTIPLE, TYPE II. Identifiers: Orphanet 321, MedGen C1851413, MONDO:0007586, OMIM 133701.

Submissions (2):

Ambry Genetics
Classification: Uncertain significance for Inborn genetic diseases. Last evaluated: 2025-08-21. Review status: criteria provided, single submitter. Criteria: Ambry Variant Classification Scheme 2023. Collection method: clinical testing. Allele origin: germline.

Labcorp Genetics (formerly Invitae), Labcorp
Classification: Uncertain significance for Exostoses, multiple, type 2. Last evaluated: 2025-07-17. Review status: criteria provided, single submitter. Criteria: Invitae Variant Classification Sherloc (09022015). Collection method: clinical testing. Allele origin: germline.
Comment: This sequence change replaces glutamic acid, which is acidic and polar, with lysine, which is basic and polar, at codon 589 of the EXT2 protein (p.Glu589Lys). This variant is not present in population databases (gnomAD no frequency). This variant has not been reported in the literature in individuals affected with EXT2-related conditions. ClinVar contains an entry for this variant (Variation ID: 1981677). Invitae Evidence Modeling of protein sequence and biophysical properties (such as structural, functional, and spatial information, amino acid conservation, physicochemical variation, residue mobility, and thermodynamic stability) indicates that this missense variant is not expected to disrupt EXT2 protein function with a negative predictive value of 95%. In summary, the available evidence is currently insufficient to determine the role of this variant in disease. Therefore, it has been classified as a Variant of Uncertain Significance.